The following is an entry in ClinVar:

NM_001042492.3(NF1):c.6583G>A (p.Glu2195Lys)

Gene: NF1 (neurofibromin 1; plus strand). Cytogenetic location: 17q11.2.
Variant type: single nucleotide variant.
Coding change: c.6583G>A on transcript NM_001042492.3 (MANE Select); coding-DNA position 6583, G replaced by A.
Protein change: p.Glu2195Lys; replaces glutamic acid 2195 with lysine.
Molecular consequence: missense variant.
Genome position (GRCh38, 1-based): chr17:31,337,523, G>A. VCF-style: chr17-31337523-G-A. GRCh37 (hg19) VCF-style: chr17-29664541-G-A.
Other names: c.6520G>A, p.Glu2174Lys (NM_000267.4); short protein forms E2174K, E2195K.
Identifiers: ClinVar variation 3707905 (VCV003707905.3).

ClinVar aggregate classification (germline): Uncertain significance. Review status: criteria provided, multiple submitters, no conflicts (2 of 4 stars). 2 submissions from 2 submitters: Uncertain significance (2). Last evaluated 2025-05-15.

Conditions:
Cardiovascular phenotype. Identifiers: MedGen CN230736.
Hereditary cancer-predisposing syndrome. Also called: Hereditary Cancer Syndrome; Neoplastic Syndromes, Hereditary; Tumor predisposition; Hereditary neoplastic syndrome. Identifiers: Orphanet 140162, MedGen C0027672, MeSH D009386, MONDO:0015356.
Neurofibromatosis, type 1 (NF1). Also called: NEUROFIBROMATOSIS, TYPE I, SOMATIC; Neurofibromatosis, type I; VON RECKLINGHAUSEN DISEASE; Peripheral type neurofibromatosis. Identifiers: Orphanet 636, MedGen C0027831, MONDO:0018975, OMIM 162200. Disease mechanism: loss of function.

Submissions (2):

Ambry Genetics
Classification: Uncertain significance for Cardiovascular phenotype; Hereditary cancer-predisposing syndrome. Last evaluated: 2025-05-15. Review status: criteria provided, single submitter. Criteria: Ambry Variant Classification Scheme 2023. Collection method: clinical testing. Allele origin: germline.
Comment: The p.E2174K variant (also known as c.6520G>A), located in coding exon 42 of the NF1 gene, results from a G to A substitution at nucleotide position 6520. The glutamic acid at codon 2174 is replaced by lysine, an amino acid with similar properties. This amino acid position is conserved. In addition, the in silico prediction for this alteration is inconclusive. Based on the available evidence, the clinical significance of this variant remains unclear.

Labcorp Genetics (formerly Invitae), Labcorp
Classification: Uncertain significance for Neurofibromatosis, type 1. Last evaluated: 2025-01-30. Review status: criteria provided, single submitter. Criteria: Invitae Variant Classification Sherloc (09022015). Collection method: clinical testing. Allele origin: germline.
Comment: This sequence change replaces glutamic acid, which is acidic and polar, with lysine, which is basic and polar, at codon 2174 of the NF1 protein (p.Glu2174Lys). This variant is not present in population databases (gnomAD no frequency). This variant has not been reported in the literature in individuals affected with NF1-related conditions. Invitae Evidence Modeling of protein sequence and biophysical properties (such as structural, functional, and spatial information, amino acid conservation, physicochemical variation, residue mobility, and thermodynamic stability) indicates that this missense variant is expected to disrupt NF1 protein function with a positive predictive value of 95%. In summary, the available evidence is currently insufficient to determine the role of this variant in disease. Therefore, it has been classified as a Variant of Uncertain Significance.